The following is an entry in ClinVar:

NM_001040142.2(SCN2A):c.1705C>G (p.Pro569Ala)

Gene: SCN2A (sodium voltage-gated channel alpha subunit 2; plus strand). Cytogenetic location: 2q24.3.
Variant type: single nucleotide variant.
Coding change: c.1705C>G on transcript NM_001040142.2 (MANE Select); coding-DNA position 1705, C replaced by G.
Protein change: p.Pro569Ala; replaces proline 569 with alanine.
Molecular consequence: missense variant.
Genome position (GRCh38, 1-based): chr2:165,323,189, C>G. VCF-style: chr2-165323189-C-G. GRCh37 (hg19) VCF-style: chr2-166179699-C-G.
Other names: c.1705C>G, p.Pro569Ala (NM_001040143.2, NM_001371246.1, NM_001371247.1 and 1 more transcripts); short protein forms P569A.
Identifiers: ClinVar variation 3384523 (VCV003384523.1).
Genomic context (GRCh38, chr2:165,323,189, plus strand): 5'-TTTTGTTTCTTCTCTTGTTATTCATAGTCCTTACTGAGCATCCGTGGCTCCCTTTTCTCT[C>G]CAAGACGCAACAGTAGGGCGAGCCTTTTCAGCTTCAGAGGTCGAGCAAAGGACATTGGCT-3'
Protein context (NP_001035232.1, residues 559-579): LLSIRGSLFS[Pro569Ala]RRNSRASLFS

ClinVar aggregate classification (germline): Uncertain significance (1 of 4 stars; one submission).

gnomAD v4.1: 2 of 1,614,150 alleles (0.00012%); highest among the groups gnomAD compares: Non-Finnish European, 0.00017%; no homozygotes.

Submission:

GeneDx
Classification: Uncertain significance. Last evaluated: 2024-06-03. Review status: criteria provided, single submitter. Criteria: GeneDx Variant Classification Process June 2021. Collection method: clinical testing. Allele origin: germline. Affected: yes.
Comment: Not observed at significant frequency in large population cohorts (gnomAD); In silico analysis supports that this missense variant has a deleterious effect on protein structure/function; This substitution is predicted to be within the N-terminal cytoplasmic domain; This variant is associated with the following publications: (PMID: 31105003)